The following is an entry in ClinVar:

NM_002906.4(RDX):c.119G>T (p.Arg40Leu)

Gene: RDX (radixin; minus strand). Cytogenetic location: 11q22.3.
Variant type: single nucleotide variant.
Coding change: c.119G>T on transcript NM_002906.4 (MANE Select); coding-DNA position 119, G replaced by T.
Protein change: p.Arg40Leu; replaces arginine 40 with leucine.
Molecular consequence: missense variant. On other transcripts: intron variant (3).
Genome position (GRCh38, 1-based): chr11:110,264,852, C>A on the plus strand (G>T on the coding strand, the complement: RDX is on the minus strand). VCF-style: chr11-110264852-C-A. GRCh37 (hg19) VCF-style: chr11-110135577-C-A.
Other names: c.119G>T, p.Arg40Leu (NM_001260492.2, NM_001260493.2); c.-83+14829G>T (NM_001260495.2); c.97-618G>T (NM_001260496.2); c.60-6663G>T (NM_001260494.2); short protein forms R40L.
Identifiers: ClinVar variation 505180 (VCV000505180.5), dbSNP rs771175890, ClinGen allele CA6270391.
Genomic context (GRCh38, chr11:110,264,852, plus strand): 5'-TTAAGCCATGTAGAATAACCTTTGCTGTCTACATACTGCAGCCCAAAAAACCAGACCTCA[C>A]GCAAACCAACTGTTTTCACCACCTAAAACACAACAACAACAAAAAAACACAATTTCAGTC-3'
Protein context (NP_002897.1, residues 30-50): FDQVVKTVGL[Arg40Leu]EVWFFGLQYV

ClinVar aggregate classification (germline): Uncertain significance (1 of 4 stars; one submission).

gnomAD v4.1: 14 of 1,613,778 alleles (0.00087%); highest among the groups gnomAD compares: Admixed American, 0.02%; no homozygotes.

Submission:

Laboratory for Molecular Medicine, Mass General Brigham Personalized Medicine
Classification: Uncertain significance. Last evaluated: 2016-06-16. Review status: criteria provided, single submitter. Criteria: LMM Criteria. Collection method: clinical testing. Allele origin: germline. Observed: 1 variant allele.
Comment: The p.Arg40Leu variant in RDX has not been previously reported in individuals wi th hearing loss. This variant has been identified in 6/11536 Latino chromosomes by the Exome Aggregation Consortium (ExAC; dbSNP rs771175890). Although this variant has been seen in the general population, it s frequency is not high enough to rule out a pathogenic role. Computational pred iction tools and conservation analyses do not provide strong support for or agai nst an impact to the protein. In summary, the clinical significance of the p.Ar g40Leu variant is uncertain.